The following is an entry in ClinVar:

NM_001371928.1(AHDC1):c.3616A>G (p.Met1206Val)

Gene: AHDC1 (AT-hook DNA binding motif containing 1; minus strand). Cytogenetic location: 1p36.11.
Variant type: single nucleotide variant.
Coding change: c.3616A>G on transcript NM_001371928.1 (MANE Select); coding-DNA position 3616, A replaced by G.
Protein change: p.Met1206Val; replaces methionine 1206 with valine.
Molecular consequence: missense variant.
Genome position (GRCh38, 1-based): chr1:27,548,500, T>C on the plus strand (A>G on the coding strand, the complement: AHDC1 is on the minus strand). VCF-style: chr1-27548500-T-C. GRCh37 (hg19) VCF-style: chr1-27875011-T-C.
Other names: c.3616A>G, p.Met1206Val (NM_001029882.3); c.-428A>G (NM_015699.1); short protein forms M1206V.
Identifiers: ClinVar variation 2409938 (VCV002409938.6), dbSNP rs779055222, ClinGen allele CA715531.

ClinVar aggregate classification (germline): Uncertain significance. Review status: criteria provided, multiple submitters, no conflicts (2 of 4 stars). 3 submissions from 3 submitters: Uncertain significance (3). Last evaluated 2026-04-02.

Conditions:
Inborn genetic diseases. Identifiers: MedGen C0950123, MeSH D030342.
AHDC1-related disorder. Also called: AHDC1-related condition.

Allele frequency attached by ClinVar (database versions not stated): ExAC 0.00001; gnomAD 0.00001.

Submissions (3):

PreventionGenetics, part of Exact Sciences
Classification: Uncertain significance for AHDC1-related condition. Last evaluated: 2026-04-02. Review status: criteria provided, single submitter. Criteria: ACMG Guidelines, 2015. Collection method: clinical testing. Allele origin: germline.
Comment: The AHDC1 c.3616A>G variant is predicted to result in the amino acid substitution p.Met1206Val. To our knowledge, this variant has not been reported in patients with AHDC1 related disorders. This variant is reported in 0.0035% of alleles in individuals of European (Non-Finnish) descent in gnomAD. At this time, the clinical significance of this variant is uncertain due to the absence of conclusive functional and genetic evidence.

Ambry Genetics
Classification: Uncertain significance for Inborn genetic diseases. Last evaluated: 2024-03-05. Review status: criteria provided, single submitter. Criteria: Ambry Variant Classification Scheme 2023. Collection method: clinical testing. Allele origin: germline.

Labcorp Genetics (formerly Invitae), Labcorp
Classification: Uncertain significance. Last evaluated: 2023-04-14. Review status: criteria provided, single submitter. Criteria: Invitae Variant Classification Sherloc (09022015). Collection method: clinical testing. Allele origin: germline.
Comment: This sequence change replaces methionine, which is neutral and non-polar, with valine, which is neutral and non-polar, at codon 1206 of the AHDC1 protein (p.Met1206Val). This variant is present in population databases (rs779055222, gnomAD 0.002%). This variant has not been reported in the literature in individuals affected with AHDC1-related conditions. ClinVar contains an entry for this variant (Variation ID: 2409938). An algorithm developed to predict the effect of missense changes on protein structure and function (PolyPhen-2) suggests that this variant is likely to be tolerated. In summary, the available evidence is currently insufficient to determine the role of this variant in disease. Therefore, it has been classified as a Variant of Uncertain Significance.